The following is an entry in ClinVar:

ClinVar aggregate classification (germline): Likely benign. Review status: criteria provided, multiple submitters, no conflicts (2 of 4 stars). 3 submissions from 3 submitters: Likely benign (3). Last evaluated 2026-06-01.

gnomAD v4.1: 432 of 1,613,802 alleles (0.027%); highest among the groups gnomAD compares: Middle Eastern, 0.017%; no homozygotes.

Submissions (3):

CeGaT Center for Human Genetics Tuebingen
Classification: Likely benign. Last evaluated: 2026-06-01. Review status: criteria provided, single submitter. Criteria: CeGaT Center For Human Genetics Tuebingen Variant Classification Criteria Version 2. Collection method: clinical testing. Allele origin: germline. Affected: yes. Observed: 1 variant allele.
Comment: HCN2: BP4, BP7

Laboratory of Genetics, Children's Clinical University Hospital Latvia
Classification: Likely benign. Last evaluated: 2025-02-16. Review status: criteria provided, single submitter. Criteria: ACMG Guidelines, 2015. Collection method: clinical testing. Allele origin: germline. Affected: yes.

Blueprint Genetics
Classification: Likely benign. Last evaluated: 2024-06-19. Review status: criteria provided, single submitter. Criteria: ACMG Guidelines, 2015. Collection method: clinical testing. Allele origin: germline.

NM_001194.4(HCN2):c.1524C>T (p.Tyr508=)

Gene: HCN2 (hyperpolarization activated cyclic nucleotide gated potassium and sodium channel 2; plus strand). Cytogenetic location: 19p13.3.
Variant type: single nucleotide variant.
Coding change: c.1524C>T on transcript NM_001194.4 (MANE Select); coding-DNA position 1524, C replaced by T.
Protein change: p.Tyr508=; no amino-acid change (tyrosine 508 retained).
Molecular consequence: synonymous variant.
Genome position (GRCh38, 1-based): chr19:610,345, C>T. VCF-style: chr19-610345-C-T. GRCh37 (hg19) VCF-style: chr19-610345-C-T.
Identifiers: ClinVar variation 3911336 (VCV003911336.4).